The following is an entry in ClinVar:

ClinVar aggregate classification (germline): Pathogenic (1 of 4 stars; one submission).

Allele frequency attached by ClinVar (database versions not stated): ExAC 0.00001; gnomAD exomes below 0.00001.

Submission:

Labcorp Genetics (formerly Invitae), Labcorp
Classification: Pathogenic. Last evaluated: 2025-09-14. Review status: criteria provided, single submitter. Criteria: Invitae Variant Classification Sherloc (09022015). Collection method: clinical testing. Allele origin: germline.
Comment: This sequence change creates a premature translational stop signal (p.Met624Valfs*13) in the SKIV2L gene. It is expected to result in an absent or disrupted protein product. Loss-of-function variants in SKIV2L are known to be pathogenic (PMID: 22444670). This variant is present in population databases (rs745526087, gnomAD 0.003%). This variant has not been reported in the literature in individuals affected with SKIV2L-related conditions. ClinVar contains an entry for this variant (Variation ID: 2912282). For these reasons, this variant has been classified as Pathogenic.

Literature cited by the submitters: PubMed 22444670.

NM_006929.5(SKIC2):c.1870_1871del (p.Met624fs)

Gene: SKIC2 (SKI2 subunit of superkiller complex; plus strand). Cytogenetic location: 6p21.33.
Variant type: Deletion.
Coding change: c.1870_1871del on transcript NM_006929.5 (MANE Select); coding-DNA positions 1870 to 1871, 2 bases deleted (AT; older notation c.1870_1871delAT).
Protein change: p.Met624fs; shifts the reading frame from methionine 624.
Molecular consequence: frameshift variant.
Genome position (GRCh38, 1-based): chr6:31,964,241-31,964,242, AT deleted. VCF-style (leftmost placement, unchanged base first): chr6-31964240-CAT-C. GRCh37 (hg19) VCF-style: chr6-31932017-CAT-C.
Other names: short protein forms M624fs.
Identifiers: ClinVar variation 2912282 (VCV002912282.3), dbSNP rs745526087, ClinGen allele CA3729618.